The following is an entry in ClinVar:

ClinVar aggregate classification (germline): Uncertain significance (1 of 4 stars; one submission).

Submission:

Labcorp Genetics (formerly Invitae), Labcorp
Classification: Uncertain significance. Last evaluated: 2022-10-16. Review status: criteria provided, single submitter. Criteria: Invitae Variant Classification Sherloc (09022015). Collection method: clinical testing. Allele origin: germline.
Comment: Advanced modeling of protein sequence and biophysical properties (such as structural, functional, and spatial information, amino acid conservation, physicochemical variation, residue mobility, and thermodynamic stability) performed at Invitae indicates that this missense variant is not expected to disrupt CA4 protein function. This variant has not been reported in the literature in individuals affected with CA4-related conditions. This variant is not present in population databases (gnomAD no frequency). This sequence change replaces glutamic acid, which is acidic and polar, with valine, which is neutral and non-polar, at codon 211 of the CA4 protein (p.Glu211Val). In summary, the available evidence is currently insufficient to determine the role of this variant in disease. Therefore, it has been classified as a Variant of Uncertain Significance.

NM_000717.5(CA4):c.632A>T (p.Glu211Val)

Gene: CA4 (carbonic anhydrase 4; plus strand). Cytogenetic location: 17q23.1.
Variant type: single nucleotide variant.
Coding change: c.632A>T on transcript NM_000717.5 (MANE Select); coding-DNA position 632, A replaced by T.
Protein change: p.Glu211Val; replaces glutamic acid 211 with valine.
Molecular consequence: missense variant. On other transcripts: non-coding transcript variant (1).
Genome position (GRCh38, 1-based): chr17:60,158,334, A>T. VCF-style: chr17-60158334-A-T. GRCh37 (hg19) VCF-style: chr17-58235695-A-T.
Other names: short protein forms E211V.
Identifiers: ClinVar variation 1721736 (VCV001721736.5), dbSNP rs2544524222, ClinGen allele CA400459485.
Genomic context (GRCh38, chr17:60,158,334, plus strand): 5'-CTATCTCAGAGATGAGCACTACGATGGCAGAGAGCAGCCTGTTGGACCTGCTCCCCAAGG[A>T]GGAGAAACTGAGGCACTACTTCCGCTACCTGGGCTCACTCACCACACCGACCTGCGATGA-3'
Protein context (NP_000708.1, residues 201-221): ESSLLDLLPK[Glu211Val]EKLRHYFRYL